The following is an entry in ClinVar:

NM_004984.4(KIF5A):c.2993-20C>T

Gene: KIF5A (kinesin family member 5A; plus strand). Cytogenetic location: 12q13.3.
Variant type: single nucleotide variant.
Coding change: c.2993-20C>T on transcript NM_004984.4 (MANE Select); 20 bases into the intron before coding-DNA position 2993, C replaced by T.
Molecular consequence: intron variant.
Genome position (GRCh38, 1-based): chr12:57,582,582, C>T. VCF-style: chr12-57582582-C-T. GRCh37 (hg19) VCF-style: chr12-57976365-C-T.
Other names: c.2993-20C>T (NM_004984.2); c.2726-20C>T (NM_001354705.2).
Identifiers: ClinVar variation 1633214 (VCV001633214.9), dbSNP rs375827219, ClinGen allele CA6653282.

ClinVar aggregate classification (germline): Likely benign. Review status: criteria provided, single submitter (1 of 4 stars). 2 submissions from 2 submitters: Likely benign (1). 1 of the submissions does not count toward it. Last evaluated 2025-08-13.

Conditions:
KIF5A-related disorder. Also called: KIF5A-related condition; KIF5A-related disorders.
Spastic paraplegia. Identifiers: MedGen C0037772, HP:0001258.

Allele frequency attached by ClinVar (database versions not stated): gnomAD 0.00003; ESP Exome Variant Server 0.00015.
gnomAD v4.1: 102 of 1,605,912 alleles (0.0064%); highest among the groups gnomAD compares: Non-Finnish European, 0.0078%; no homozygotes.

Submissions (2):

Labcorp Genetics (formerly Invitae), Labcorp
Classification: Likely benign for Spastic paraplegia. Last evaluated: 2025-08-13. Review status: criteria provided, single submitter. Criteria: Invitae Variant Classification Sherloc (09022015). Collection method: clinical testing. Allele origin: germline.

PreventionGenetics, part of Exact Sciences
Classification: Likely benign for KIF5A-related condition. Last evaluated: 2023-04-27. Review status: no assertion criteria provided. Collection method: clinical testing. Allele origin: germline. Not counted in ClinVar's aggregate classification.
Comment: This variant is classified as likely benign based on ACMG/AMP sequence variant interpretation guidelines (Richards et al. 2015 PMID: 25741868, with internal and published modifications).